The following is an entry in ClinVar:

NM_203446.3(SYNJ1):c.*798T>C

Gene: SYNJ1 (synaptojanin 1; minus strand). Cytogenetic location: 21q22.11.
Variant type: single nucleotide variant.
Coding change: c.*798T>C on transcript NM_203446.3 (MANE Select); 798 bases downstream of the stop codon, T replaced by C.
Molecular consequence: 3 prime UTR variant. On other transcripts: synonymous variant (2).
Genome position (GRCh38, 1-based): chr21:32,631,007, A>G on the plus strand (T>C on the coding strand, the complement: SYNJ1 is on the minus strand). VCF-style: chr21-32631007-A-G. GRCh37 (hg19) VCF-style: chr21-34003317-A-G.
Other names: c.*798T>C (NM_001160302.2); c.4569T>C, p.Phe1523= (NM_001160306.2); c.4827T>C, p.Phe1609= (NM_003895.4).
Identifiers: ClinVar variation 1673659 (VCV001673659.26), dbSNP rs1007414965, ClinGen allele CA319449507.
Genomic context (GRCh38, chr21:32,631,007, plus strand): 5'-GCTCTATCCTGCCAAAAGCAAGTACCCACTGTTTTCTATTGCATGGCGTTATCTTTCTGT[A>G]AAGTCCAGTGTGGGTGAAGCCTTAGAGGCCAAGGTCGTGAAAGGATCTACTGGAGGGCTG-3'

ClinVar aggregate classification (germline): Likely benign. Review status: criteria provided, multiple submitters, no conflicts (2 of 4 stars). 3 submissions from 3 submitters: Likely benign (3). Last evaluated 2025-03-10.

Conditions:
Developmental and epileptic encephalopathy, 53. Also called: Epileptic encephalopathy, early infantile, 53. Identifiers: MedGen C4479313, MONDO:0033362, OMIM 617389.
Early-onset Parkinson disease 20. Also called: PARKINSON DISEASE 20, AUTOSOMAL RECESSIVE EARLY-ONSET. Identifiers: Orphanet 391411, MedGen C3809824, MONDO:0014233, OMIM 615530.

Allele frequency attached by ClinVar (database versions not stated): TOPMed below 0.00001; gnomAD 0.00001.

Submissions (3):

Labcorp Genetics (formerly Invitae), Labcorp
Classification: Likely benign for Developmental and epileptic encephalopathy, 53; Early-onset Parkinson disease 20. Last evaluated: 2025-03-10. Review status: criteria provided, single submitter. Criteria: Invitae Variant Classification Sherloc (09022015). Collection method: clinical testing. Allele origin: germline.

CeGaT Center for Human Genetics Tuebingen
Classification: Likely benign. Last evaluated: 2024-07-01. Review status: criteria provided, single submitter. Criteria: CeGaT Center For Human Genetics Tuebingen Variant Classification Criteria Version 2. Collection method: clinical testing. Allele origin: germline. Affected: yes. Observed: 1 variant allele.
Comment: SYNJ1: BP4, BP7

Blueprint Genetics
Classification: Likely benign. Last evaluated: 2024-03-01. Review status: criteria provided, single submitter. Criteria: ACMG Guidelines, 2015. Collection method: clinical testing. Allele origin: germline.